The following is an entry in ClinVar:

ClinVar aggregate classification (germline): Conflicting classifications of pathogenicity. Review status: criteria provided, conflicting classifications (1 of 4 stars). 2 submissions from 2 submitters: Uncertain significance (1); Likely benign (1). Last evaluated 2025-10-29.

Allele frequency attached by ClinVar (database versions not stated): TOPMed 0.00006; gnomAD 0.00013; ExAC 0.00019; 1000 Genomes Project 0.00060; 1000 Genomes Project 30x 0.00062.
gnomAD v4.1: 158 of 1,590,826 alleles (0.0099%); highest among the groups gnomAD compares: South Asian, 0.09%; no homozygotes.

Submissions (2):

Ambry Genetics
Classification: Uncertain significance. Last evaluated: 2025-10-29. Review status: criteria provided, single submitter. Criteria: Ambry Variant Classification Scheme 2023. Collection method: clinical testing. Allele origin: germline.

CeGaT Center for Human Genetics Tuebingen
Classification: Likely benign. Last evaluated: 2023-02-01. Review status: criteria provided, single submitter. Criteria: CeGaT Center For Human Genetics Tuebingen Variant Classification Criteria Version 2. Collection method: clinical testing. Allele origin: germline. Affected: yes. Observed: 1 variant allele.
Comment: RAD18: BP4

NM_020165.4(RAD18):c.725C>T (p.Pro242Leu)

Gene: RAD18 (RAD18 E3 ubiquitin protein ligase; minus strand). Cytogenetic location: 3p25.3.
Variant type: single nucleotide variant.
Coding change: c.725C>T on transcript NM_020165.4 (MANE Select); coding-DNA position 725, C replaced by T.
Protein change: p.Pro242Leu; replaces proline 242 with leucine.
Molecular consequence: missense variant.
Genome position (GRCh38, 1-based): chr3:8,936,035, G>A on the plus strand (C>T on the coding strand, the complement: RAD18 is on the minus strand). VCF-style: chr3-8936035-G-A. GRCh37 (hg19) VCF-style: chr3-8977719-G-A.
Other names: c.725C>T (NM_020165.3); short protein forms P242L.
Identifiers: ClinVar variation 2653468 (VCV002653468.24), dbSNP rs200605306, ClinGen allele CA2236927.
Genomic context (GRCh38, chr3:8,936,035, plus strand): 5'-TCTTTTAGCTTTTTCTTTAAATCACGATCAGAGAGCAAATTATATACAGTTTTGGGCAGC[G>A]GCTTCCTTTTGTGAACAGAACTGAAAAGGGGGGAAGATACCTGATGATTATTGTGAATTA-3'
Protein context (NP_064550.3, residues 232-252): SLRSSVHKRK[Pro242Leu]LPKTVYNLLS